The following is an entry in ClinVar:

NM_000548.5(TSC2):c.26C>G (p.Ser9Ter)

Gene: TSC2 (TSC complex subunit 2; plus strand). Cytogenetic location: 16p13.3.
Variant type: single nucleotide variant.
Coding change: c.26C>G on transcript NM_000548.5 (MANE Select); coding-DNA position 26, C replaced by G.
Protein change: p.Ser9Ter; replaces serine 9 with a stop codon.
Molecular consequence: nonsense. On other transcripts: 5 prime UTR variant (1), intron variant (1).
Genome position (GRCh38, 1-based): chr16:2,048,641, C>G. VCF-style: chr16-2048641-C-G. GRCh37 (hg19) VCF-style: chr16-2098642-C-G.
Other names: c.26C>G, p.Ser9Ter (NM_001077183.3, NM_001114382.3, NM_001318827.2 and 4 more transcripts); c.-201C>G (NM_001318831.2); c.59C>G, p.Ser20Ter (NM_001318832.2); c.-10+576C>G (NM_001318829.2); short protein forms S9*, S20*.
Identifiers: ClinVar variation 65313 (VCV000065313.11), dbSNP rs397515228, ClinGen allele CA017918.

ClinVar aggregate classification (germline): Pathogenic. Review status: criteria provided, single submitter (1 of 4 stars). 2 submissions from 2 submitters: Pathogenic (1). 1 of the submissions does not count toward it. Last evaluated 2019-10-09.

Conditions:
Tuberous sclerosis 2 (TSC2). Identifiers: Orphanet 805, MedGen C1860707, MONDO:0013199, OMIM 613254.
Tuberous sclerosis syndrome (TSC). Also called: Tuberous Sclerosis Complex; Tuberous sclerosis. Identifiers: Orphanet 805, MedGen C0041341, MONDO:0001734.

Submissions (2):

Labcorp Genetics (formerly Invitae), Labcorp
Classification: Pathogenic for Tuberous sclerosis 2. Last evaluated: 2019-10-09. Review status: criteria provided, single submitter. Criteria: Invitae Variant Classification Sherloc (09022015). Collection method: clinical testing. Allele origin: germline.
Comment: Loss-of-function variants in TSC2 are known to be pathogenic (PMID: 10205261, 17304050). This variant has been reported in individuals in the Leiden Open-source Variation Database (PMID: 21520333). ClinVar contains an entry for this variant (Variation ID: 65313). This variant is not present in population databases (ExAC no frequency). This sequence change creates a premature translational stop signal (p.Ser9*) in the TSC2 gene. It is expected to result in an absent or disrupted protein product. For these reasons, this variant has been classified as Pathogenic.

Tuberous sclerosis database (TSC2)
No classification provided. Condition: TSC. Review status: no classification provided. Criteria: Tuberous Sclerosis Database Assertion Criteria 2015. Collection method: curation. Allele origin: germline. Affected: yes. Not counted in ClinVar's aggregate classification.

Literature cited by the submitters: PubMed 10205261 (cited by Labcorp Genetics (formerly Invitae), Labcorp); PubMed 17304050 (cited by Labcorp Genetics (formerly Invitae), Labcorp); PubMed 21520333 (cited by Labcorp Genetics (formerly Invitae), Labcorp).